The following is an entry in ClinVar:

ClinVar aggregate classification (germline): Benign/Likely benign. Review status: criteria provided, multiple submitters, no conflicts (2 of 4 stars). 2 submissions from 2 submitters: Benign (1); Likely benign (1). Last evaluated 2025-02-16.

Conditions:
MELAS syndrome (MELAS). Also called: Juvenile myopathy, encephalopathy, lactic acidosis, stroke. Identifiers: Orphanet 550, MedGen C0162671, MONDO:0010789, OMIM 540000.

Submissions (2):

Laboratory of Genetics, Children's Clinical University Hospital Latvia
Classification: Likely benign. Last evaluated: 2025-02-16. Review status: criteria provided, single submitter. Criteria: ACMG Guidelines, 2015. Collection method: clinical testing. Allele origin: germline. Affected: yes.

Wong Mito Lab, Molecular and Human Genetics, Baylor College of Medicine
Classification: Benign for MELAS syndrome. Last evaluated: 2019-07-12. Review status: criteria provided, single submitter. Criteria: Modified ACMG Guidelines (Unpublished). Collection method: clinical testing. Allele origin: germline.
Comment: The NC_012920.1:m.15894G>A variant in MT-TT gene is interpreted to be a Benign variant based on the modified ACMG guidelines (unpublished). This variant meets the following evidence codes reported in the guidelines: BS1, BS2, BP4

Literature cited by the submitters: PubMed 31965079 (cited by Wong Mito Lab, Molecular and Human Genetics, Baylor College of Medicine).

NC_012920.1(MT-TT):m.15894G>A

Gene: MT-TT (mitochondrially encoded tRNA threonine; plus strand).
Variant type: single nucleotide variant.
Genome position: chrM-15894-G-A.
Identifiers: ClinVar variation 690218 (VCV000690218.2), dbSNP rs1569484752, ClinGen allele CA913175137.